The following is an entry in ClinVar:

NM_177924.5(ASAH1):c.125+16A>G

Gene: ASAH1 (N-acylsphingosine amidohydrolase 1; minus strand). Cytogenetic location: 8p22.
Variant type: single nucleotide variant.
Coding change: c.125+16A>G on transcript NM_177924.5 (MANE Select); 16 bases into the intron after coding-DNA position 125, A replaced by G.
Molecular consequence: intron variant.
Genome position (GRCh38, 1-based): chr8:18,075,525, T>C on the plus strand (A>G on the coding strand, the complement: ASAH1 is on the minus strand). VCF-style: chr8-18075525-T-C. GRCh37 (hg19) VCF-style: chr8-17933034-T-C.
Other names: c.173+16A>G (NM_004315.6, NM_001127505.3); c.-71+16A>G (NM_001363743.2).
Identifiers: ClinVar variation 1357437 (VCV001357437.3), dbSNP rs536515295, ClinGen allele CA4651070.

ClinVar aggregate classification (germline): Uncertain significance (1 of 4 stars; one submission).

Allele frequency attached by ClinVar (database versions not stated): ExAC 0.00002; gnomAD exomes 0.00002 and 0.00010; TOPMed 0.00002; gnomAD 0.00005; 1000 Genomes Project 30x 0.00016; 1000 Genomes Project 0.00020.
gnomAD v4.1: 155 of 1,613,936 alleles (0.0096%); highest among the groups gnomAD compares: Non-Finnish European, 0.012%; no homozygotes.

Submission:

Labcorp Genetics (formerly Invitae), Labcorp
Classification: Uncertain significance. Last evaluated: 2022-08-10. Review status: criteria provided, single submitter. Criteria: Invitae Variant Classification Sherloc (09022015). Collection method: clinical testing. Allele origin: germline.
Comment: This sequence change falls in intron 2 of the ASAH1 gene. It does not directly change the encoded amino acid sequence of the ASAH1 protein. This variant is present in population databases (rs536515295, gnomAD 0.004%). This variant has not been reported in the literature in individuals affected with ASAH1-related conditions. ClinVar contains an entry for this variant (Variation ID: 1357437). Algorithms developed to predict the effect of sequence changes on RNA splicing suggest that this variant may create or strengthen a splice site. In summary, the available evidence is currently insufficient to determine the role of this variant in disease. Therefore, it has been classified as a Variant of Uncertain Significance.